The following is an entry in ClinVar:

ClinVar aggregate classification (germline): Uncertain significance. Review status: criteria provided, multiple submitters, no conflicts (2 of 4 stars). 2 submissions from 2 submitters: Uncertain significance (2). Last evaluated 2023-04-20.

Allele frequency attached by ClinVar (database versions not stated): gnomAD exomes 0.00005; TOPMed 0.00007; ExAC 0.00010; gnomAD 0.00011; ESP Exome Variant Server 0.00023.
gnomAD v4.1: 90 of 1,613,930 alleles (0.0056%); highest among the groups gnomAD compares: South Asian, 0.021%; 1 homozygote.

Submissions (2):

Ambry Genetics
Classification: Uncertain significance. Last evaluated: 2023-04-20. Review status: criteria provided, single submitter. Criteria: Ambry Variant Classification Scheme 2023. Collection method: clinical testing. Allele origin: germline.

Labcorp Genetics (formerly Invitae), Labcorp
Classification: Uncertain significance. Last evaluated: 2022-07-01. Review status: criteria provided, single submitter. Criteria: Invitae Variant Classification Sherloc (09022015). Collection method: clinical testing. Allele origin: germline.
Comment: This sequence change replaces proline, which is neutral and non-polar, with leucine, which is neutral and non-polar, at codon 660 of the ZNF341 protein (p.Pro660Leu). This variant is present in population databases (rs145826138, gnomAD 0.02%), including at least one homozygous and/or hemizygous individual. This variant has not been reported in the literature in individuals affected with ZNF341-related conditions. Algorithms developed to predict the effect of missense changes on protein structure and function are either unavailable or do not agree on the potential impact of this missense change (SIFT: "Deleterious"; PolyPhen-2: "Benign"; Align-GVGD: "Class C0"). In summary, the available evidence is currently insufficient to determine the role of this variant in disease. Therefore, it has been classified as a Variant of Uncertain Significance.

NM_001282933.2(ZNF341):c.2000C>T (p.Pro667Leu)

Genes: ZNF341 (zinc finger protein 341; plus strand), ZNF341-AS1 (ZNF341 antisense RNA 1; minus strand). Cytogenetic location: 20q11.22.
Variant type: single nucleotide variant.
Coding change: c.2000C>T on transcript NM_001282933.2 (MANE Select); coding-DNA position 2000, C replaced by T.
Protein change: p.Pro667Leu; replaces proline 667 with leucine.
Molecular consequence: missense variant. On other transcripts: non-coding transcript variant (1).
Genome position (GRCh38, 1-based): chr20:33,789,553, C>T. VCF-style: chr20-33789553-C-T. GRCh37 (hg19) VCF-style: chr20-32377359-C-T.
Other names: c.1730C>T, p.Pro577Leu (NM_001282935.2); c.1979C>T, p.Pro660Leu (NM_032819.5); c.1979C>T (NM_032819.3); short protein forms P577L, P660L, P667L.
Identifiers: ClinVar variation 2194428 (VCV002194428.3), dbSNP rs145826138, ClinGen allele CA9819655.